The following is an entry in ClinVar:

NM_001384125.1(BLTP1):c.3094G>A (p.Glu1032Lys)

Gene: BLTP1 (bridge-like lipid transfer protein family member 1; plus strand). Cytogenetic location: 4q27.
Variant type: single nucleotide variant.
Coding change: c.3094G>A on transcript NM_001384125.1 (MANE Select); coding-DNA position 3094, G replaced by A.
Protein change: p.Glu1032Lys; replaces glutamic acid 1032 with lysine.
Molecular consequence: missense variant.
Genome position (GRCh38, 1-based): chr4:122,229,982, G>A. VCF-style: chr4-122229982-G-A. GRCh37 (hg19) VCF-style: chr4-123151137-G-A.
Other names: c.3094G>A, p.Glu1032Lys (NM_015312.4); short protein forms E1032K.
Identifiers: ClinVar variation 1810692 (VCV001810692.1), dbSNP rs1210955966, ClinGen allele CA358083152.

ClinVar aggregate classification (germline): Uncertain significance (1 of 4 stars; one submission).

gnomAD v4.1: 1 of 1,614,114 alleles (0.000062%); no homozygotes.

Submission:

GeneDx
Classification: Uncertain significance. Last evaluated: 2022-07-07. Review status: criteria provided, single submitter. Criteria: GeneDx Variant Classification Process June 2021. Collection method: clinical testing. Allele origin: germline. Affected: yes.
Comment: Not observed at significant frequency in large population cohorts (gnomAD); In silico analysis supports that this missense variant does not alter protein structure/function; Has not been previously published as pathogenic or benign to our knowledge